The following is an entry in ClinVar:

NC_000012.12:g.(?_132632309)_(132636030_?)del

Gene: POLE (DNA polymerase epsilon, catalytic subunit; minus strand). Cytogenetic location: 12q24.33.
Variant type: Deletion.
Identifiers: ClinVar variation 473431 (VCV000473431.2).

ClinVar aggregate classification (germline): Uncertain significance (1 of 4 stars; one submission).

Conditions:
Colorectal cancer, susceptibility to, 12 (CRCS12). Also called: COLORECTAL CANCER, SUSCEPTIBILITY TO, ON CHROMOSOME 12q24. Identifiers: Orphanet 220460, MedGen C3554460, MONDO:0014038, OMIM 615083.

Submission:

Labcorp Genetics (formerly Invitae), Labcorp
Classification: Uncertain significance for Colorectal cancer, susceptibility to, 12. Last evaluated: 2017-05-17. Review status: criteria provided, single submitter. Criteria: Invitae Variant Classification Sherloc (09022015). Collection method: clinical testing. Allele origin: germline.
Comment: This variant is an out-of-frame deletion of the genomic region encompassing exons 42-45 of the POLE gene. This creates a premature translational stop signal and is expected to result in an absent or disrupted protein product. This deletion has not been reported in the literature in individuals with a POLE-related disease. Missense variants that disrupt the 3'-5' exonuclease (proof-reading) activity of the POLE protein, while not abolishing its polymerase enzyme activity, are associated with an increased risk for colonic adenomatous polyps and colon cancer (PMID: 23263490, 23447401). Loss-of-function truncating variants, which result in an absent or severely disrupted POLE protein, are therefore unlikely to be associated with disease. Without further clinical and genetic evidence, however, this variant has been classified as a Variant of Uncertain Significance.